The following is an entry in ClinVar:

NM_004082.5(DCTN1):c.3405C>G (p.Ser1135=)

Gene: DCTN1 (dynactin subunit 1; minus strand). Cytogenetic location: 2p13.1.
Variant type: single nucleotide variant.
Coding change: c.3405C>G on transcript NM_004082.5 (MANE Select); coding-DNA position 3405, C replaced by G.
Protein change: p.Ser1135=; no amino-acid change (serine 1135 retained).
Molecular consequence: synonymous variant. On other transcripts: non-coding transcript variant (1).
Genome position (GRCh38, 1-based): chr2:74,363,118, G>C on the plus strand (C>G on the coding strand, the complement: DCTN1 is on the minus strand). VCF-style: chr2-74363118-G-C. GRCh37 (hg19) VCF-style: chr2-74590245-G-C.
Other names: c.3330C>G, p.Ser1110= (NM_001135040.3); c.2988C>G, p.Ser996= (NM_001135041.3); c.3279C>G, p.Ser1093= (NM_001190836.2); c.3384C>G, p.Ser1128= (NM_001190837.2); c.3354C>G, p.Ser1118= (NM_001378991.1); c.3336C>G, p.Ser1112= (NM_001378992.1); c.3003C>G, p.Ser1001= (NM_023019.4).
Identifiers: ClinVar variation 4987377 (VCV004987377.1).
Genomic context (GRCh38, chr2:74,363,118, plus strand): 5'-CAGCTGGCTGGTCTTACGATACAGCGCTCCAGCTGGTAACTCACTGCCAGGGCCCTCATG[G>C]GATAGCTTTGCAACATGCAGAGGGGGCAGGGATGCCAAGGATGCCTTCATCTGGGCTCCC-3'
Protein context (NP_004073.2, residues 1125-1145): SLPPLHVAKL[Ser1135=]HEGPGSELPA

ClinVar aggregate classification (germline): Likely benign (1 of 4 stars; one submission).

Conditions:
DCTN1-related disorder. Also called: DCTN1-related condition.

gnomAD v4.1: 41 of 1,613,958 alleles (0.0025%); highest among the groups gnomAD compares: Non-Finnish European, 0.0035%; no homozygotes.

Submission:

PreventionGenetics, part of Exact Sciences
Classification: Likely benign for DCTN1-related condition. Last evaluated: 2026-05-18. Review status: criteria provided, single submitter. Criteria: ACMG Guidelines, 2015. Collection method: clinical testing. Allele origin: germline.
Comment: This variant is classified as likely benign based on ACMG/AMP sequence variant interpretation guidelines (Richards et al. 2015 PMID: 25741868, with internal and published modifications).